The following is an entry in ClinVar:

ClinVar aggregate classification (germline): Uncertain significance (1 of 4 stars; one submission).

Conditions:
Hypertrophic cardiomyopathy. Also called: HYPERTROPHIC MYOCARDIOPATHY. Identifiers: Orphanet 217569, MedGen C0007194, MeSH D002312, MONDO:0005045, HP:0001639.

Allele frequency attached by ClinVar (database versions not stated): gnomAD exomes below 0.00001.
gnomAD v4.1: 6 of 1,613,220 alleles (0.00037%); highest among the groups gnomAD compares: Non-Finnish European, 0.00051%; no homozygotes.

Submission:

All of Us Research Program, National Institutes of Health
Classification: Uncertain significance for Hypertrophic cardiomyopathy. Last evaluated: 2024-02-05. Review status: criteria provided, single submitter. Criteria: ACMG Guidelines, 2015. Collection method: clinical testing. Allele origin: germline. Inheritance: Autosomal dominant inheritance. Observed: 1 variant allele, 1 heterozygote.
Comment: This missense variant replaces aspartic acid with asparagine at codon 1176 of the MYBPC3 protein. Computational prediction suggests that this variant may not impact protein structure and function (internally defined REVEL score threshold <= 0.5, PMID: 27666373). To our knowledge, functional studies have not been reported for this variant. This variant has not been reported in individuals affected with MYBPC3-related disorders in the literature. This variant has not been identified in the general population by the Genome Aggregation Database (gnomAD). The available evidence is insufficient to determine the role of this variant in disease conclusively. Therefore, this variant is classified as a Variant of Uncertain Significance.

This study involves interpretation of variants in research participants for the purpose of population health screening. Participant phenotype was not available at the time of variant classification. Additional details can be found in publication PMID: 35346344, PMCID: PMC8962531

NM_000256.3(MYBPC3):c.3526G>A (p.Asp1176Asn)

Gene: MYBPC3 (myosin binding protein C3; minus strand). Cytogenetic location: 11p11.2.
Variant type: single nucleotide variant.
Coding change: c.3526G>A on transcript NM_000256.3 (MANE Select); coding-DNA position 3526, G replaced by A.
Protein change: p.Asp1176Asn; replaces aspartic acid 1176 with asparagine.
Molecular consequence: missense variant.
Genome position (GRCh38, 1-based): chr11:47,332,667, C>T on the plus strand (G>A on the coding strand, the complement: MYBPC3 is on the minus strand). VCF-style: chr11-47332667-C-T. GRCh37 (hg19) VCF-style: chr11-47354218-C-T.
Other names: short protein forms D1176N.
Identifiers: ClinVar variation 3075428 (VCV003075428.1), dbSNP rs2495738160, ClinGen allele CA380312735.